The following is an entry in ClinVar:

NM_000321.3(RB1):c.859G>T (p.Glu287Ter)

Gene: RB1 (RB transcriptional corepressor 1; plus strand). Cytogenetic location: 13q14.2.
Variant type: single nucleotide variant.
Coding change: c.859G>T on transcript NM_000321.3 (MANE Select); coding-DNA position 859, G replaced by T.
Protein change: p.Glu287Ter; replaces glutamic acid 287 with a stop codon.
Molecular consequence: nonsense.
Genome position (GRCh38, 1-based): chr13:48,362,955, G>T. VCF-style: chr13-48362955-G-T. GRCh37 (hg19) VCF-style: chr13-48937091-G-T.
Other names: short protein forms E287*.
Identifiers: ClinVar variation 651486 (VCV000651486.8), dbSNP rs1593445246, ClinGen allele CA388159717.

ClinVar aggregate classification (germline): Pathogenic. Review status: criteria provided, multiple submitters, no conflicts (2 of 4 stars). 2 submissions from 2 submitters: Pathogenic (2). Last evaluated 2022-01-10.

Conditions:
Retinoblastoma (RB1). Also called: RETINOBLASTOMA, SOMATIC. Identifiers: Orphanet 790, MedGen C0035335, MeSH D012175, MONDO:0008380, OMIM 180200, HP:0009919. Disease mechanism: loss of function. Inheritance: Both sporadic and heritable forms are tested..

Submissions (2):

GeneDx
Classification: Pathogenic. Last evaluated: 2022-01-10. Review status: criteria provided, single submitter. Criteria: GeneDx Variant Classification Process June 2021. Collection method: clinical testing. Allele origin: germline. Affected: yes.
Comment: Nonsense variant predicted to result in protein truncation or nonsense mediated decay in a gene for which loss-of-function is a known mechanism of disease; Not observed at significant frequency in large population cohorts (gnomAD); This variant is associated with the following publications: (PMID: 28803391, 22529291)

Labcorp Genetics (formerly Invitae), Labcorp
Classification: Pathogenic for Retinoblastoma. Last evaluated: 2018-12-16. Review status: criteria provided, single submitter. Criteria: Invitae Variant Classification Sherloc (09022015). Collection method: clinical testing. Allele origin: germline.
Comment: For these reasons, this variant has been classified as Pathogenic. Loss-of-function variants in RB1 are known to be pathogenic (PMID: 17096365). This variant has not been reported in the literature in individuals with RB1-related conditions. This variant is not present in population databases (ExAC no frequency). This sequence change creates a premature translational stop signal (p.Glu287*) in the RB1 gene. It is expected to result in an absent or disrupted protein product.

Literature cited by the submitters: PubMed 17096365 (cited by Labcorp Genetics (formerly Invitae), Labcorp).